The following is an entry in ClinVar:

NC_000002.11:g.(?_233390926)_(233400022_?)del

Gene: CHRND (cholinergic receptor nicotinic delta subunit; plus strand). Cytogenetic location: 2q37.1.
Variant type: Deletion.
Identifiers: ClinVar variation 2423390 (VCV002423390.3).

ClinVar aggregate classification (germline): Pathogenic (1 of 4 stars; one submission).

Conditions:
Lethal multiple pterygium syndrome (LMPS). Identifiers: Orphanet 33108, MedGen C1854678, MONDO:0009668, OMIM 253290.

Submission:

Labcorp Genetics (formerly Invitae), Labcorp
Classification: Pathogenic for Lethal multiple pterygium syndrome. Last evaluated: 2022-09-30. Review status: criteria provided, single submitter. Criteria: Invitae Variant Classification Sherloc (09022015). Collection method: clinical testing. Allele origin: germline.
Comment: A gross deletion of the genomic region encompassing the full coding sequence of the CHRND gene has been identified. Loss-of-function variants in CHRND are known to be pathogenic (PMID: 11435464, 25264167). The boundaries of this event are unknown as they extend beyond the assayed region for this gene and therefore may encompass additional genes. This variant has not been reported in the literature in individuals affected with CHRND-related conditions. For these reasons, this variant has been classified as Pathogenic.

Literature cited by the submitters: PubMed 11435464; PubMed 25264167.